The following is an entry in ClinVar:

NM_001267550.2(TTN):c.77013T>C (p.Tyr25671=)

Genes: TTN-AS1 (TTN antisense RNA 1; plus strand), TTN (titin; minus strand). Cytogenetic location: 2q31.2.
Variant type: single nucleotide variant.
Coding change: c.77013T>C on transcript NM_001267550.2 (MANE Select); coding-DNA position 77013, T replaced by C.
Protein change: p.Tyr25671=; no amino-acid change (tyrosine 25671 retained).
Molecular consequence: synonymous variant.
Genome position (GRCh38, 1-based): chr2:178,569,119, A>G on the plus strand (T>C on the coding strand, the complement: TTN is on the minus strand). VCF-style: chr2-178569119-A-G. GRCh37 (hg19) VCF-style: chr2-179433846-A-G.
Other names: c.69309T>C, p.Tyr23103= (NM_133378.4); c.72090T>C, p.Tyr24030= (NM_001256850.1); c.49818T>C, p.Tyr16606= (NM_003319.4); c.50193T>C, p.Tyr16731= (NM_133432.3); c.50394T>C, p.Tyr16798= (NM_133437.4).
Identifiers: ClinVar variation 47352 (VCV000047352.12), dbSNP rs397517707, ClinGen allele CA140760.

ClinVar aggregate classification (germline): Likely benign. Review status: criteria provided, multiple submitters, no conflicts (2 of 4 stars). 3 submissions from 3 submitters: Likely benign (3). Last evaluated 2026-01-12.

Conditions:
Cardiovascular phenotype. Identifiers: MedGen CN230736.
Dilated cardiomyopathy 1G (CMD1G). Identifiers: Orphanet 154, MedGen C1858763, MONDO:0011400, OMIM 604145.
Autosomal recessive limb-girdle muscular dystrophy type 2J (LGMDR10). Also called: Limb-girdle muscular dystrophy, type 2J; MUSCULAR DYSTROPHY, LIMB-GIRDLE, AUTOSOMAL RECESSIVE 10. Identifiers: Orphanet 140922, MedGen C1837342, MONDO:0012127, OMIM 608807.

Allele frequency attached by ClinVar (database versions not stated): gnomAD exomes below 0.00001 and 0.00001; TOPMed 0.00001.
gnomAD v4.1: 3 of 1,613,490 alleles (0.00019%); highest among the groups gnomAD compares: Non-Finnish European, 0.00017%; no homozygotes.

Submissions (3):

Labcorp Genetics (formerly Invitae), Labcorp
Classification: Likely benign for Dilated cardiomyopathy 1G; Autosomal recessive limb-girdle muscular dystrophy type 2J. Last evaluated: 2026-01-12. Review status: criteria provided, single submitter. Criteria: Invitae Variant Classification Sherloc (09022015). Collection method: clinical testing. Allele origin: germline.

Ambry Genetics
Classification: Likely benign for Cardiovascular phenotype. Last evaluated: 2022-05-02. Review status: criteria provided, single submitter. Criteria: Ambry Variant Classification Scheme 2023. Collection method: clinical testing. Allele origin: germline.

Laboratory for Molecular Medicine, Mass General Brigham Personalized Medicine
Classification: Likely benign. Last evaluated: 2012-05-10. Review status: criteria provided, single submitter. Criteria: LMM Criteria. Collection method: clinical testing. Allele origin: germline. Observed: 1 variant allele.
Comment: Tyr23103Tyr in exon 275 of TTN: This variant is not expected to have clinical si gnificance because it does not alter an amino acid residue and is not located wi thin the splice consensus sequence. Tyr23103Tyr in exon 275 of TTN (allele fre quency = n/a) **